The following is an entry in ClinVar:

ClinVar aggregate classification (germline): Uncertain significance. Review status: criteria provided, multiple submitters, no conflicts (2 of 4 stars). 2 submissions from 2 submitters: Uncertain significance (2). Last evaluated 2025-06-16.

Conditions:
Deafness-lymphedema-leukemia syndrome. Also called: Lymphedema, primary, with myelodysplasia; Emberger syndrome. Identifiers: Orphanet 3226, MedGen C3279664, MONDO:0013540, OMIM 614038.
Monocytopenia with susceptibility to infections. Also called: IMMUNODEFICIENCY 21; MONOCYTOPENIA AND MYCOBACTERIAL INFECTION SYNDROME; MONOCYTOPENIA WITH SUSCEPTIBILITY TO MYCOBACTERIAL, FUNGAL, AND PAPILLOMAVIRUS INFECTIONS AND MYELODYSPLASIA; COMBINED IMMUNODEFICIENCY WITH SUSCEPTIBILITY TO MYCOBACTERIAL, VIRAL, AND FUNGAL INFECTIONS; GATA2 DEFICIENCY; Dendritic cell, monocyte, B lymphocyte, and natural killer lymphocyte deficiency. Identifiers: Orphanet 228423, MedGen C3280030, MONDO:0013607, OMIM 614172.
Inborn genetic diseases. Identifiers: MedGen C0950123, MeSH D030342.

Submissions (2):

Ambry Genetics
Classification: Uncertain significance for Inborn genetic diseases. Last evaluated: 2025-06-16. Review status: criteria provided, single submitter. Criteria: Ambry Variant Classification Scheme 2023. Collection method: clinical testing. Allele origin: germline.
Comment: The p.H26N variant (also known as c.76C>A), located in coding exon 1 of the GATA2 gene, results from a C to A substitution at nucleotide position 76. The histidine at codon 26 is replaced by asparagine, an amino acid with similar properties. This amino acid position is highly conserved in available vertebrate species. In addition, this alteration is predicted to be deleterious by in silico analysis. Based on the available evidence, the clinical significance of this variant remains unclear.

Labcorp Genetics (formerly Invitae), Labcorp
Classification: Uncertain significance for Monocytopenia with susceptibility to infections; Deafness-lymphedema-leukemia syndrome. Last evaluated: 2019-10-30. Review status: criteria provided, single submitter. Criteria: Invitae Variant Classification Sherloc (09022015). Collection method: clinical testing. Allele origin: germline.
Comment: This sequence change replaces histidine with asparagine at codon 26 of the GATA2 protein (p.His26Asn). The histidine residue is moderately conserved and there is a small physicochemical difference between histidine and asparagine. This variant is not present in population databases (ExAC no frequency). This variant has not been reported in the literature in individuals with GATA2-related conditions. ClinVar contains an entry for this variant (Variation ID: 661213). Algorithms developed to predict the effect of missense changes on protein structure and function are either unavailable or do not agree on the potential impact of this missense change (SIFT: "Tolerated"; PolyPhen-2: "Possibly Damaging"; Align-GVGD: "Class C0"). In summary, the available evidence is currently insufficient to determine the role of this variant in disease. Therefore, it has been classified as a Variant of Uncertain Significance.

NM_032638.5(GATA2):c.76C>A (p.His26Asn)

Gene: GATA2 (GATA binding protein 2; minus strand). Cytogenetic location: 3q21.3.
Variant type: single nucleotide variant.
Coding change: c.76C>A on transcript NM_032638.5 (MANE Select); coding-DNA position 76, C replaced by A.
Protein change: p.His26Asn; replaces histidine 26 with asparagine.
Molecular consequence: missense variant.
Genome position (GRCh38, 1-based): chr3:128,486,956, G>T on the plus strand (C>A on the coding strand, the complement: GATA2 is on the minus strand). VCF-style: chr3-128486956-G-T. GRCh37 (hg19) VCF-style: chr3-128205799-G-T.
Other names: c.76C>A, p.His26Asn (NM_001145661.2, NM_001145662.1); short protein forms H26N.
Identifiers: ClinVar variation 661213 (VCV000661213.11), dbSNP rs1576749889, ClinGen allele CA354409031.